The following is an entry in ClinVar:

NM_174889.5(NDUFAF2):c.76G>C (p.Asp26His)

Gene: NDUFAF2 (NADH:ubiquinone oxidoreductase complex assembly factor 2; plus strand). Cytogenetic location: 5q12.1.
Variant type: single nucleotide variant.
Coding change: c.76G>C on transcript NM_174889.5 (MANE Select); coding-DNA position 76, G replaced by C.
Protein change: p.Asp26His; replaces aspartic acid 26 with histidine.
Molecular consequence: missense variant.
Genome position (GRCh38, 1-based): chr5:60,945,331, G>C. VCF-style: chr5-60945331-G-C. GRCh37 (hg19) VCF-style: chr5-60241158-G-C.
Other names: short protein forms D26H.
Identifiers: ClinVar variation 3393376 (VCV003393376.2).

ClinVar aggregate classification (germline): Uncertain significance (1 of 4 stars; one submission).

Conditions:
Mitochondrial complex I deficiency, nuclear type 10. Also called: Mitochondrial complex 1 deficiency, nuclear type 10. Identifiers: MedGen C4748768, MONDO:0032616, OMIM 618233.

Submission:

Kasturba Medical College, Manipal, Kasturba Medical College, Manipal, Manipal Academy of Higher Education, Manipal, India
Classification: Uncertain significance for Mitochondrial complex I deficiency, nuclear type 10. Review status: criteria provided, single submitter. Criteria: ACMG Guidelines, 2015. Collection method: research. Allele origin: germline. Inheritance: Autosomal recessive inheritance. Affected: no. Observed: 1 heterozygote.
Comment: This variant is not reported in the gnomAD (v4.1.0). population database and our in-hous~ exome data of 3274 individuals.